The following is an entry in ClinVar:

ClinVar aggregate classification (germline): Conflicting classifications of pathogenicity. Review status: criteria provided, conflicting classifications (1 of 4 stars). 3 submissions from 3 submitters: Likely pathogenic (2); Uncertain significance (1). Last evaluated 2026-04-08.

Conditions:
Familial thoracic aortic aneurysm and aortic dissection (TAAD). Also called: Thoracic aortic aneurysms and dissections. Identifiers: Orphanet 91387, MedGen C4707243, MONDO:0019625.
Marfan syndrome (MFS). Also called: FBN1-Related Marfan Syndrome; Marfan syndrome type 1; Marfan's syndrome; Marfan syndrome, classic; MARFAN SYNDROME, TYPE I. Identifiers: Orphanet 284963, Orphanet 558, MedGen C0024796, MONDO:0007947, OMIM 154700.

Submissions (3):

Ambry Genetics
Classification: Likely pathogenic for Familial thoracic aortic aneurysm and aortic dissection. Last evaluated: 2026-04-08. Review status: criteria provided, single submitter. Criteria: Ambry Variant Classification Scheme 2023. Collection method: clinical testing. Allele origin: germline.
Comment: The c.2353_2355delCCT variant (also known as p.P785del) is located in coding exon 19 of the FBN1 gene. This variant results from an in-frame CCT deletion at nucleotide positions 2353 to 2355. This results in the in-frame deletion of a proline at codon 785. This variant was determined to be de novo in at least one individual with features consistent with Marfan syndrome (Ambry internal data). Based on internal structural analysis, this deletion is deleterious. This amino acid position is highly conserved in available vertebrate species. In addition, this alteration is predicted to be deleterious by in silico analysis (Choi Y et al. PLoS ONE. 2012; 7(10):e46688). This variant is considered to be rare based on population cohorts in the Genome Aggregation Database (gnomAD). Based on the majority of available evidence to date, this variant is likely to be pathogenic.

GeneDx
Classification: Likely pathogenic. Last evaluated: 2025-08-13. Review status: criteria provided, single submitter. Criteria: GeneDx Variant Classification Process June 2021. Collection method: clinical testing. Allele origin: germline.
Comment: Has not been previously published as pathogenic or benign to our knowledge; Not observed at significant frequency in large population cohorts (gnomAD); In-frame deletion of 1 amino acids in a non-repeat region; In silico analysis supports a deleterious effect on protein structure/function; Does not affect a cysteine or calcium-binding residue within an EGF-like domain or a TGF-binding protein domain of the FBN1 gene; cysteine substitutions in the EGF-like domains represent the majority of pathogenic missense changes associated with FBN1-related disorders (PMID: 12938084); This variant is associated with the following publications: (PMID: 12938084)

Labcorp Genetics (formerly Invitae), Labcorp
Classification: Uncertain significance for Marfan syndrome; Familial thoracic aortic aneurysm and aortic dissection. Last evaluated: 2019-06-20. Review status: criteria provided, single submitter. Criteria: Invitae Variant Classification Sherloc (09022015). Collection method: clinical testing. Allele origin: germline.
Comment: In summary, the available evidence is currently insufficient to determine the role of this variant in disease. Therefore, it has been classified as a Variant of Uncertain Significance. Experimental studies and prediction algorithms are not available or were not evaluated for this variant, and the functional significance of the affected amino acid(s) is currently unknown. This variant has been observed to segregate with clinical features of Marfan syndrome in a family (Invitae). This variant is not present in population databases (ExAC no frequency). This variant, c.2353_2355delCCT, results in the deletion of 1 amino acid(s) of the FBN1 protein (p.Pro785del), but otherwise preserves the integrity of the reading frame.

NM_000138.5(FBN1):c.2353_2355del (p.Pro785del)

Gene: FBN1 (fibrillin 1; minus strand). Cytogenetic location: 15q21.1.
Variant type: Deletion.
Coding change: c.2353_2355del on transcript NM_000138.5 (MANE Select); coding-DNA positions 2353 to 2355, 3 bases deleted (CCT; older notation c.2353_2355delCCT).
Protein change: p.Pro785del; deletes proline 785.
Molecular consequence: inframe deletion.
Genome position (GRCh38, 1-based): chr15:48,496,164-48,496,166, AGG deleted on the plus strand (CCT on the coding strand, the reverse complement: FBN1 is on the minus strand); deleting any 3 consecutive bases within chr15:48,496,164-48,496,168 gives the same sequence; the c. name uses the placement nearest the transcript's 3' end. VCF-style (leftmost placement, unchanged base first): chr15-48496163-CAGG-C. GRCh37 (hg19) VCF-style: chr15-48788360-CAGG-C.
Other names: c.2353_2355delCCT (NM_000138.4); c.2353_2355del (NM_000138.4); short protein forms P785del.
Identifiers: ClinVar variation 663745 (VCV000663745.14), dbSNP rs1597569606, ClinGen allele CA915946589.